The following is an entry in ClinVar:

NM_198253.3(TERT):c.160T>A (p.Cys54Ser)

Genes: TERT (telomerase reverse transcriptase; minus strand), LOC110806263 (TERT 5' regulatory region; plus strand). Cytogenetic location: 5p15.33.
Variant type: single nucleotide variant.
Coding change: c.160T>A on transcript NM_198253.3 (MANE Select); coding-DNA position 160, T replaced by A.
Protein change: p.Cys54Ser; replaces cysteine 54 with serine.
Molecular consequence: missense variant. On other transcripts: non-coding transcript variant (2).
Genome position (GRCh38, 1-based): chr5:1,294,830, A>T on the plus strand (T>A on the coding strand, the complement: TERT is on the minus strand). VCF-style: chr5-1294830-A-T. GRCh37 (hg19) VCF-style: chr5-1294945-A-T.
Other names: c.160T>A, p.Cys54Ser (NM_001193376.3, NM_003219.1); short protein forms C54S.
Identifiers: ClinVar variation 2074448 (VCV002074448.4), dbSNP rs2126691601, ClinGen allele CA359058998.
Genomic context (GRCh38, chr5:1,294,830, plus strand): 5'-CCTGGCGGAAGGAGGGGGCGGCGGGGGGCGGCCGTGCGTCCCAGGGCACGCACACCAGGC[A>T]CTGGGCCACCAGCGCGCGGAAAGCCGCCGGGTCCCCGCGCTGCACCAGCCGCCAGCCCTG-3'
Protein context (NP_937983.2, residues 44-64): PAAFRALVAQ[Cys54Ser]LVCVPWDARP

ClinVar aggregate classification (germline): Uncertain significance (1 of 4 stars; one submission).

Conditions:
Dyskeratosis congenita, autosomal dominant 2. Identifiers: MedGen C3151443, MONDO:0013521, OMIM 613989.
Idiopathic Pulmonary Fibrosis. Also called: Idiopathic fibrosing alveolitis, chronic form; idiopathic fibrosing alveolitis. Identifiers: Orphanet 2032, MedGen C1800706, MeSH D054990, MONDO:0800504.

Submission:

Labcorp Genetics (formerly Invitae), Labcorp
Classification: Uncertain significance for Dyskeratosis congenita, autosomal dominant 2; Idiopathic Pulmonary Fibrosis. Last evaluated: 2023-10-22. Review status: criteria provided, single submitter. Criteria: Invitae Variant Classification Sherloc (09022015). Collection method: clinical testing. Allele origin: germline.
Comment: This sequence change replaces cysteine, which is neutral and slightly polar, with serine, which is neutral and polar, at codon 54 of the TERT protein (p.Cys54Ser). This variant is not present in population databases (gnomAD no frequency). This variant has not been reported in the literature in individuals affected with TERT-related conditions. ClinVar contains an entry for this variant (Variation ID: 2074448). Advanced modeling of protein sequence and biophysical properties (such as structural, functional, and spatial information, amino acid conservation, physicochemical variation, residue mobility, and thermodynamic stability) performed at Invitae indicates that this missense variant is expected to disrupt TERT protein function. In summary, the available evidence is currently insufficient to determine the role of this variant in disease. Therefore, it has been classified as a Variant of Uncertain Significance.